The following is an entry in ClinVar:

NM_007144.3(PCGF2):c.16C>T (p.Arg6Trp)

Gene: PCGF2 (polycomb group ring finger 2; minus strand). Cytogenetic location: 17q12.
Variant type: single nucleotide variant.
Coding change: c.16C>T on transcript NM_007144.3 (MANE Select); coding-DNA position 16, C replaced by T.
Protein change: p.Arg6Trp; replaces arginine 6 with tryptophan.
Molecular consequence: missense variant.
Genome position (GRCh38, 1-based): chr17:38,740,387, G>A on the plus strand (C>T on the coding strand, the complement: PCGF2 is on the minus strand). VCF-style: chr17-38740387-G-A. GRCh37 (hg19) VCF-style: chr17-36896640-G-A.
Other names: c.16C>T, p.Arg6Trp (NM_001369615.1, NM_001369614.1); short protein forms R6W.
Identifiers: ClinVar variation 3616799 (VCV003616799.2).

ClinVar aggregate classification (germline): Uncertain significance (1 of 4 stars; one submission).

Submission:

Labcorp Genetics (formerly Invitae), Labcorp
Classification: Uncertain significance. Last evaluated: 2024-10-10. Review status: criteria provided, single submitter. Criteria: Invitae Variant Classification Sherloc (09022015). Collection method: clinical testing. Allele origin: germline.
Comment: This sequence change replaces arginine, which is basic and polar, with tryptophan, which is neutral and slightly polar, at codon 6 of the PCGF2 protein (p.Arg6Trp). The frequency data for this variant in the population databases is considered unreliable, as metrics indicate poor data quality at this position in the gnomAD database. This variant has not been reported in the literature in individuals affected with PCGF2-related conditions. Invitae Evidence Modeling of protein sequence and biophysical properties (such as structural, functional, and spatial information, amino acid conservation, physicochemical variation, residue mobility, and thermodynamic stability) indicates that this missense variant is expected to disrupt PCGF2 protein function with a positive predictive value of 80%. In summary, the available evidence is currently insufficient to determine the role of this variant in disease. Therefore, it has been classified as a Variant of Uncertain Significance.